The following is an entry in ClinVar:

ClinVar aggregate classification (germline): Benign/Likely benign. Review status: criteria provided, multiple submitters, no conflicts (2 of 4 stars). 4 submissions from 4 submitters: Benign (1); Likely benign (3). Last evaluated 2026-01-24.

Conditions:
TAFAZZIN-related disorder. Also called: TAFAZZIN-Related Disorders; TAFAZZIN-related condition.
3-Methylglutaconic aciduria type 2 (BTHS). Also called: CARDIOSKELETAL MYOPATHY WITH NEUTROPENIA AND ABNORMAL MITOCHONDRIA; Barth syndrome. Identifiers: Orphanet 111, MedGen C0574083, MONDO:0010543, OMIM 302060.
Cardiovascular phenotype. Identifiers: MedGen CN230736.

Allele frequency attached by ClinVar (database versions not stated): TOPMed 0.00004.
gnomAD v4.1: 69 of 1,209,193 alleles (0.0057%); highest among the groups gnomAD compares: East Asian, 0.12%; no homozygotes.

Submissions (4):

Labcorp Genetics (formerly Invitae), Labcorp
Classification: Likely benign for 3-Methylglutaconic aciduria type 2. Last evaluated: 2026-01-24. Review status: criteria provided, single submitter. Criteria: Invitae Variant Classification Sherloc (09022015). Collection method: clinical testing. Allele origin: germline.

PreventionGenetics, part of Exact Sciences
Classification: Likely benign for TAFAZZIN-related condition. Last evaluated: 2025-10-12. Review status: criteria provided, single submitter. Criteria: ACMG Guidelines, 2015. Collection method: clinical testing. Allele origin: germline.
Comment: This variant is classified as likely benign based on ACMG/AMP sequence variant interpretation guidelines (Richards et al. 2015 PMID: 25741868, with internal and published modifications).

Mayo Clinic Laboratories, Mayo Clinic
Classification: Benign. Last evaluated: 2025-09-30. Review status: criteria provided, single submitter. Criteria: ACMG Guidelines, 2015. Collection method: clinical testing. Allele origin: germline. Observed: 1 variant allele.
Comment: BS1, BS2, BP4, BP7

Ambry Genetics
Classification: Likely benign for Cardiovascular phenotype. Last evaluated: 2020-01-24. Review status: criteria provided, single submitter. Criteria: Ambry Variant Classification Scheme 2023. Collection method: clinical testing. Allele origin: germline.

NM_000116.5(TAFAZZIN):c.747C>G (p.Leu249=)

Gene: TAFAZZIN (tafazzin, phospholipid-lysophospholipid transacylase; plus strand). Cytogenetic location: Xq28.
Variant type: single nucleotide variant.
Coding change: c.747C>G on transcript NM_000116.5 (MANE Select); coding-DNA position 747, C replaced by G.
Protein change: p.Leu249=; no amino-acid change (leucine 249 retained).
Molecular consequence: synonymous variant. On other transcripts: non-coding transcript variant (1).
Genome position (GRCh38, 1-based): chrX:154,420,705, C>G. VCF-style: chrX-154420705-C-G. GRCh37 (hg19) VCF-style: chrX-153649044-C-G.
Other names: p.Leu249=; c.759C>G, p.Leu253= (NM_001303465.2); c.657C>G, p.Leu219= (NM_181311.4); c.705C>G, p.Leu235= (NM_181312.4); c.615C>G, p.Leu205= (NM_181313.4).
Identifiers: ClinVar variation 701511 (VCV000701511.11), dbSNP rs376379156, ClinGen allele CA10562430.